The following is an entry in ClinVar:

ClinVar aggregate classification (germline): Likely benign. Review status: criteria provided, multiple submitters, no conflicts (2 of 4 stars). 2 submissions from 2 submitters: Likely benign (2). Last evaluated 2026-01-26.

Conditions:
Autosomal recessive limb-girdle muscular dystrophy type 2Y (MRRSDC). Also called: Muscular dystrophy, autosomal recessive, with rigid spine and distal joint contractures; Muscular dystrophy, limb-girdle, type 2y. Identifiers: Orphanet 424261, MedGen C4511482, MONDO:0014900, OMIM 617072.
TOR1AIP1-related disorder. Also called: TOR1AIP1-related condition.

Submissions (2):

Labcorp Genetics (formerly Invitae), Labcorp
Classification: Likely benign for Autosomal recessive limb-girdle muscular dystrophy type 2Y. Last evaluated: 2026-01-26. Review status: criteria provided, single submitter. Criteria: Invitae Variant Classification Sherloc (09022015). Collection method: clinical testing. Allele origin: germline.

PreventionGenetics, part of Exact Sciences
Classification: Likely benign for TOR1AIP1-related condition. Last evaluated: 2023-12-16. Review status: criteria provided, single submitter. Criteria: ACMG Guidelines, 2015. Collection method: clinical testing. Allele origin: germline.
Comment: This variant is classified as likely benign based on ACMG/AMP sequence variant interpretation guidelines (Richards et al. 2015 PMID: 25741868, with internal and published modifications).

NM_015602.4(TOR1AIP1):c.740-9A>C

Gene: TOR1AIP1 (torsin 1A interacting protein 1; plus strand). Cytogenetic location: 1q25.2.
Variant type: single nucleotide variant.
Coding change: c.740-9A>C on transcript NM_015602.4 (MANE Select); 9 bases into the intron before coding-DNA position 740, A replaced by C.
Molecular consequence: intron variant.
Genome position (GRCh38, 1-based): chr1:179,903,957, A>C. VCF-style: chr1-179903957-A-C. GRCh37 (hg19) VCF-style: chr1-179873092-A-C.
Other names: c.743-9A>C (NM_001267578.2).
Identifiers: ClinVar variation 3056066 (VCV003056066.3), dbSNP rs746458068, ClinGen allele CA2740090410.
Genomic context (GRCh38, chr1:179,903,957, plus strand): 5'-TGTTGTCTTGTAAAATGTACAGTCTAAAAGTTGGATATTATTTATAGTGTACTGTTTTTT[A>C]TTTTTTAGATAAAACCACCAGATCATCTAGTCAATATATAGAATCATTTTGGCAGTCATC-3'